The following is an entry in ClinVar:

NM_001009944.3(PKD1):c.3619C>T (p.Arg1207Cys)

Gene: PKD1 (polycystin 1, transient receptor potential channel interacting; minus strand). Cytogenetic location: 16p13.3.
Variant type: single nucleotide variant.
Coding change: c.3619C>T on transcript NM_001009944.3 (MANE Select); coding-DNA position 3619, C replaced by T.
Protein change: p.Arg1207Cys; replaces arginine 1207 with cysteine.
Molecular consequence: missense variant.
Genome position (GRCh38, 1-based): chr16:2,111,548, G>A on the plus strand (C>T on the coding strand, the complement: PKD1 is on the minus strand). VCF-style: chr16-2111548-G-A. GRCh37 (hg19) VCF-style: chr16-2161549-G-A.
Other names: c.3619C>T, p.Arg1207Cys (NM_000296.4); short protein forms R1207C.
Identifiers: ClinVar variation 3579592 (VCV003579592.3).

ClinVar aggregate classification (germline): Uncertain significance. Review status: criteria provided, multiple submitters, no conflicts (2 of 4 stars). 2 submissions from 2 submitters: Uncertain significance (2). Last evaluated 2026-02-16.

Conditions:
Polycystic kidney disease, adult type (PKD1). Also called: Polycystic Kidney Disease 1, Autosomal Dominant; Polycystic kidney disease 1; Polycystic kidney disease 1, severe; Polycystic Kidney, Autosomal Dominant; POLYCYSTIC KIDNEY DISEASE 1 WITH OR WITHOUT POLYCYSTIC LIVER DISEASE; POLYCYSTIC KIDNEY DISEASE, ADULT, TYPE I. Identifiers: MedGen C3149841, MONDO:0008263, OMIM 173900.

gnomAD v4.1: 8 of 1,593,864 alleles (0.0005%); highest among the groups gnomAD compares: South Asian, 0.0023%; no homozygotes.

Submissions (2):

Women's Health and Genetics/Laboratory Corporation of America, LabCorp
Classification: Uncertain significance. Last evaluated: 2026-02-16. Review status: criteria provided, single submitter. Criteria: LabCorp Variant Classification Summary - May 2015. Collection method: clinical testing. Allele origin: germline.
Comment: Variant summary: PKD1 c.3619C>T (p.Arg1207Cys) results in a non-conservative amino acid change in the encoded protein sequence. Algorithms developed to predict the effect of missense changes on protein structure and function are either unavailable or do not agree on the potential impact of this missense change. The variant allele was found at a frequency of 1.4e-05 in 207682 control chromosomes. The available data on variant occurrences in the general population are insufficient to allow any conclusion about variant significance. To our knowledge, no occurrence of c.3619C>T in individuals affected with PKD1-related conditions and no experimental evidence demonstrating its impact on protein function have been reported. ClinVar contains an entry for this variant (Variation ID: 3579592). Based on the evidence outlined above, the variant was classified as uncertain significance.

Fulgent Genetics
Classification: Uncertain significance for Polycystic kidney disease, adult type. Last evaluated: 2024-02-05. Review status: criteria provided, single submitter. Criteria: ACMG Guidelines, 2015. Collection method: clinical testing. Allele origin: germline.